The following is an entry in ClinVar:

ClinVar aggregate classification (germline): Likely benign (1 of 4 stars; one submission).

Conditions:
PLXNA1-related disorder. Also called: PLXNA1-related condition.

gnomAD v4.1: 16 of 1,612,692 alleles (0.00099%); highest among the groups gnomAD compares: Admixed American, 0.0017%; no homozygotes.

Submission:

PreventionGenetics, part of Exact Sciences
Classification: Likely benign for PLXNA1-related condition. Last evaluated: 2026-09-08. Review status: criteria provided, single submitter. Criteria: ACMG Guidelines, 2015. Collection method: clinical testing. Allele origin: germline.
Comment: This variant is classified as likely benign based on ACMG/AMP sequence variant interpretation guidelines (Richards et al. 2015 PMID: 25741868, with internal and published modifications).

NM_032242.4(PLXNA1):c.3624C>T (p.Cys1208=)

Gene: PLXNA1 (plexin A1; plus strand). Cytogenetic location: 3q21.3.
Variant type: single nucleotide variant.
Coding change: c.3624C>T on transcript NM_032242.4 (MANE Select); coding-DNA position 3624, C replaced by T.
Protein change: p.Cys1208=; no amino-acid change (cysteine 1208 retained).
Molecular consequence: synonymous variant.
Genome position (GRCh38, 1-based): chr3:127,017,856, C>T. VCF-style: chr3-127017856-C-T. GRCh37 (hg19) VCF-style: chr3-126736699-C-T.
Identifiers: ClinVar variation 4987567 (VCV004987567.1).